The following is an entry in ClinVar:

ClinVar aggregate classification (germline): Uncertain significance (1 of 4 stars; one submission).

Submission:

Labcorp Genetics (formerly Invitae), Labcorp
Classification: Uncertain significance. Last evaluated: 2023-11-20. Review status: criteria provided, single submitter. Criteria: Invitae Variant Classification Sherloc (09022015). Collection method: clinical testing. Allele origin: germline.
Comment: This sequence change replaces glutamine, which is neutral and polar, with lysine, which is basic and polar, at codon 133 of the GUCA1B protein (p.Gln133Lys). This variant is not present in population databases (gnomAD no frequency). This variant has not been reported in the literature in individuals affected with GUCA1B-related conditions. An algorithm developed to predict the effect of missense changes on protein structure and function (PolyPhen-2) suggests that this variant is likely to be tolerated. In summary, the available evidence is currently insufficient to determine the role of this variant in disease. Therefore, it has been classified as a Variant of Uncertain Significance.

NM_002098.6(GUCA1B):c.397C>A (p.Gln133Lys)

Gene: GUCA1B (guanylate cyclase activator 1B; minus strand). Cytogenetic location: 6p21.1.
Variant type: single nucleotide variant.
Coding change: c.397C>A on transcript NM_002098.6 (MANE Select); coding-DNA position 397, C replaced by A.
Protein change: p.Gln133Lys; replaces glutamine 133 with lysine.
Molecular consequence: missense variant.
Genome position (GRCh38, 1-based): chr6:42,185,758, G>T on the plus strand (C>A on the coding strand, the complement: GUCA1B is on the minus strand). VCF-style: chr6-42185758-G-T. GRCh37 (hg19) VCF-style: chr6-42153496-G-T.
Other names: short protein forms Q133K.
Identifiers: ClinVar variation 2844439 (VCV002844439.3), dbSNP rs2546725236, ClinGen allele CA364112477.
Genomic context (GRCh38, chr6:42,185,758, plus strand): 5'-CCAGGAGGAAGATCCTGTCCACGACCTCCTCGGGTGTGAGCAGCTGGCCTTGCTCAGTTT[G>T]TAGCTCTCGCCGGCAGGCTTTCTTCAGCTGGTAAATTCCCTGCCAAAGAAAACTCAGCTG-3'
Protein context (NP_002089.4, residues 123-143): QLKKACRREL[Gln133Lys]TEQGQLLTPE